The following is an entry in ClinVar:

ClinVar aggregate classification (germline): Uncertain significance (1 of 4 stars; one submission).

Submission:

ISCA site 14
Classification: Uncertain significance. Last evaluated: 2011-08-12. Review status: criteria provided, single submitter. Criteria: Kaminsky et al. (Genet Med. 2011). Collection method: clinical testing. Allele origin: paternal. Affected: yes. Observed: 1 variant allele.
Comment: Copy number variation identified through the course of routine clinical cytogenomic testing in postnatal populations. Clinical assertions have been curated as described in Kaminsky et al. 2011.

GRCh38/hg38 6q26(chr6:162233059-162449396)x1

Genes: LNCR-SMAL (lncRNA senescence and mitophagy associated regulator of PRKN; plus strand), PRKN (parkin RBR E3 ubiquitin protein ligase; minus strand). Cytogenetic location: 6q26.
Variant type: copy number loss.
Change: copy number 1 (one copy instead of two) of chr6:162,233,059-162,449,396 (216.3 kb, GRCh38 coordinates, 1-based), cytogenetic band 6q26.
Identifiers: ClinVar variation 58835 (VCV000058835.1).